The following is an entry in ClinVar:

ClinVar aggregate classification (germline): Uncertain significance. Review status: criteria provided, multiple submitters, no conflicts (2 of 4 stars). 3 submissions from 3 submitters: Uncertain significance (2). 1 of the submissions does not count toward it. Last evaluated 2024-10-25.

Conditions:
PEX16-related disorder. Also called: PEX16-related condition.
Inborn genetic diseases. Identifiers: MedGen C0950123, MeSH D030342.
Peroxisome biogenesis disorder. Identifiers: Orphanet 79189, MedGen C1832200, MONDO:0019234. Disease mechanism: loss of function.

Allele frequency attached by ClinVar (database versions not stated): TOPMed 0.00001; gnomAD 0.00002 and 0.00003; gnomAD exomes 0.00002 and 0.00005; ExAC 0.00005; ESP Exome Variant Server 0.00008.

Submissions (3):

Ambry Genetics
Classification: Uncertain significance for Inborn genetic diseases. Last evaluated: 2024-10-25. Review status: criteria provided, single submitter. Criteria: Ambry Variant Classification Scheme 2023. Collection method: clinical testing. Allele origin: germline.

Labcorp Genetics (formerly Invitae), Labcorp
Classification: Uncertain significance for Peroxisome biogenesis disorder. Last evaluated: 2023-12-11. Review status: criteria provided, single submitter. Criteria: Invitae Variant Classification Sherloc (09022015). Collection method: clinical testing. Allele origin: germline.
Comment: This sequence change replaces arginine, which is basic and polar, with glutamine, which is neutral and polar, at codon 268 of the PEX16 protein (p.Arg268Gln). This variant is present in population databases (rs376763841, gnomAD 0.02%). This variant has not been reported in the literature in individuals affected with PEX16-related conditions. ClinVar contains an entry for this variant (Variation ID: 1424989). Advanced modeling of protein sequence and biophysical properties (such as structural, functional, and spatial information, amino acid conservation, physicochemical variation, residue mobility, and thermodynamic stability) performed at Invitae indicates that this missense variant is not expected to disrupt PEX16 protein function with a negative predictive value of 80%. In summary, the available evidence is currently insufficient to determine the role of this variant in disease. Therefore, it has been classified as a Variant of Uncertain Significance.

PreventionGenetics, part of Exact Sciences
Classification: Uncertain significance for PEX16-related condition. Last evaluated: 2024-01-02. Review status: no assertion criteria provided. Collection method: clinical testing. Allele origin: germline. Not counted in ClinVar's aggregate classification.
Comment: The PEX16 c.803G>A variant is predicted to result in the amino acid substitution p.Arg268Gln. To our knowledge, this variant has not been reported in the literature. This variant is reported in 0.015% of alleles in individuals of East Asian descent in gnomAD. At this time, the clinical significance of this variant is uncertain due to the absence of conclusive functional and genetic evidence.

NM_004813.4(PEX16):c.803G>A (p.Arg268Gln)

Gene: PEX16 (peroxisomal biogenesis factor 16; minus strand). Cytogenetic location: 11p11.2.
Variant type: single nucleotide variant.
Coding change: c.803G>A on transcript NM_004813.4 (MANE Select); coding-DNA position 803, G replaced by A.
Protein change: p.Arg268Gln; replaces arginine 268 with glutamine.
Molecular consequence: missense variant.
Genome position (GRCh38, 1-based): chr11:45,913,903, C>T on the plus strand (G>A on the coding strand, the complement: PEX16 is on the minus strand). VCF-style: chr11-45913903-C-T. GRCh37 (hg19) VCF-style: chr11-45935454-C-T.
Other names: c.803G>A, p.Arg268Gln (NM_057174.3); c.803G>A (NM_004813.2); short protein forms R268Q.
Identifiers: ClinVar variation 1424989 (VCV001424989.10), dbSNP rs376763841, ClinGen allele CA5959819.
Genomic context (GRCh38, chr11:45,913,903, plus strand): 5'-GAGCGCAGCAGGTAGTAGAGCAGCAGGATGGTCCGGCGCCGCAGCTCCCGCCGCTCCCTC[C>T]GGGTCAGGCCCTTTCTGTCACTCAGGAGGCTCAGGCTGGGAGGCAGGGAGGACATGGTCA-3'
Protein context (NP_004804.2, residues 258-278): SLLSDRKGLT[Arg268Gln]RERRELRRRT